The following is an entry in ClinVar:

ClinVar aggregate classification (germline): Uncertain significance. Review status: criteria provided, multiple submitters, no conflicts (2 of 4 stars). 5 submissions from 5 submitters: Uncertain significance (4). 1 of the submissions does not count toward it. Last evaluated 2025-05-26.

Conditions:
Hereditary cancer-predisposing syndrome. Also called: Neoplastic Syndromes, Hereditary; Hereditary Cancer Syndrome; Hereditary neoplastic syndrome; Tumor predisposition. Identifiers: Orphanet 140162, MedGen C0027672, MeSH D009386, MONDO:0015356.
Microcephaly, normal intelligence and immunodeficiency (NBS). Also called: Immunodeficiency, microcephaly with normal intelligence; SEEMANOVA SYNDROME II; Nijmegen breakage syndrome; Microcephaly with normal intelligence immunodeficiency and lymphoreticular malignancies; Nonsyndromal microcephaly autosomal recessive with normal intelligence; Seemanova syndrome 2. Identifiers: Orphanet 647, MedGen C0398791, MONDO:0009623, OMIM 251260.

Allele frequency attached by ClinVar (database versions not stated): gnomAD exomes below 0.00001 and 0.00001; gnomAD 0.00001; TOPMed 0.00002.
gnomAD v4.1: 4 of 1,613,352 alleles (0.00025%); highest among the groups gnomAD compares: Non-Finnish European, 0.00034%; no homozygotes.

Submissions (5):

Labcorp Genetics (formerly Invitae), Labcorp
Classification: Uncertain significance for Microcephaly, normal intelligence and immunodeficiency. Last evaluated: 2025-05-26. Review status: criteria provided, single submitter. Criteria: Invitae Variant Classification Sherloc (09022015). Collection method: clinical testing. Allele origin: germline.
Comment: This sequence change replaces serine, which is neutral and polar, with arginine, which is basic and polar, at codon 239 of the NBN protein (p.Ser239Arg). This variant is present in population databases (rs587781868, gnomAD 0.0009%). This variant has not been reported in the literature in individuals affected with NBN-related conditions. ClinVar contains an entry for this variant (Variation ID: 141599). An algorithm developed to predict the effect of missense changes on protein structure and function (PolyPhen-2) suggests that this variant is likely to be disruptive. In summary, the available evidence is currently insufficient to determine the role of this variant in disease. Therefore, it has been classified as a Variant of Uncertain Significance.

Ambry Genetics
Classification: Uncertain significance for Hereditary cancer-predisposing syndrome. Last evaluated: 2024-10-17. Review status: criteria provided, single submitter. Criteria: Ambry Variant Classification Scheme 2023. Collection method: clinical testing. Allele origin: germline.
Comment: The p.S239R variant (also known as c.715A>C), located in coding exon 7 of the NBN gene, results from an A to C substitution at nucleotide position 715. The serine at codon 239 is replaced by arginine, an amino acid with dissimilar properties. This amino acid position is well conserved in available vertebrate species. In addition, the in silico prediction for this alteration is inconclusive. Since supporting evidence is limited at this time, the clinical significance of this alteration remains unclear.

Genome-Nilou Lab
Classification: Uncertain significance for Microcephaly, normal intelligence and immunodeficiency. Last evaluated: 2021-11-07. Review status: criteria provided, single submitter. Criteria: ACMG Guidelines, 2015. Collection method: clinical testing. Allele origin: germline. Affected: no.

GeneDx
Classification: Uncertain significance. Last evaluated: 2019-12-10. Review status: criteria provided, single submitter. Criteria: GeneDx Variant Classification Process June 2021. Collection method: clinical testing. Allele origin: germline. Affected: yes.
Comment: Not observed at a significant frequency in large population cohorts (Lek 2016); In silico analysis, which includes protein predictors and evolutionary conservation, supports a deleterious effect; Has not been previously published as pathogenic or benign to our knowledge

Natera, Inc.
Classification: Uncertain significance for Nijmegen breakage syndrome. Last evaluated: 2020-04-14. Review status: no assertion criteria provided. Collection method: clinical testing. Allele origin: germline. Not counted in ClinVar's aggregate classification.

NM_002485.5(NBN):c.715A>C (p.Ser239Arg)

Gene: NBN (nibrin; minus strand). Cytogenetic location: 8q21.3.
Variant type: single nucleotide variant.
Coding change: c.715A>C on transcript NM_002485.5 (MANE Select); coding-DNA position 715, A replaced by C.
Protein change: p.Ser239Arg; replaces serine 239 with arginine.
Molecular consequence: missense variant.
Genome position (GRCh38, 1-based): chr8:89,970,545, T>G on the plus strand (A>C on the coding strand, the complement: NBN is on the minus strand). VCF-style: chr8-89970545-T-G. GRCh37 (hg19) VCF-style: chr8-90982773-T-G.
Other names: c.469A>C, p.Ser157Arg (NM_001024688.3); short protein forms S239R, S157R.
Identifiers: ClinVar variation 141599 (VCV000141599.24), dbSNP rs587781868, ClinGen allele CA165897.
Genomic context (GRCh38, chr8:89,970,545, plus strand): 5'-CTTCTTCATTCTCTTCTGTTATCAACCTAGCTTCCCCACCTCCAAAGACAACTGCGGAAC[T>G]CAATTTCTTATGCTAAAAATGGAAGGAAACATTTTTTAAAGTAAAATGTAGTAATTTTTT-3'
Protein context (NP_002476.2, residues 229-249): FLNAKQHKKL[Ser239Arg]SAVVFGGGEA